The following is an entry in ClinVar:

ClinVar aggregate classification (germline): Pathogenic (1 of 4 stars; one submission).

Conditions:
Inborn genetic diseases. Identifiers: MedGen C0950123, MeSH D030342.

Submission:

Ambry Genetics
Classification: Pathogenic for Inborn genetic diseases. Last evaluated: 2026-07-21. Review status: criteria provided, single submitter. Criteria: Ambry Variant Classification Scheme 2023. Collection method: clinical testing. Allele origin: germline.
Comment: The c.2621dupC (p.H875Tfs*13) alteration, located in exon 18 (coding exon 18) of the SZT2 gene, consists of a duplication of C at position 2621, causing a translational frameshift with a predicted alternate stop codon after 13 amino acids. This variant is expected to result in loss of function by premature protein truncation or nonsense-mediated mRNA decay. This variant was not reported in population-based cohorts in the Genome Aggregation Database (gnomAD). Based on the available evidence, this alteration is classified as pathogenic.

NM_001365999.1(SZT2):c.2621dup (p.His875fs)

Gene: SZT2 (SZT2 subunit of KICSTOR complex; plus strand). Cytogenetic location: 1p34.2.
Variant type: Duplication.
Coding change: c.2621dup on transcript NM_001365999.1 (MANE Select); coding-DNA position 2621, one base duplicated (C; older notation c.2621dupC).
Protein change: p.His875fs; shifts the reading frame from histidine 875.
Molecular consequence: frameshift variant.
Genome position (GRCh38, 1-based): chr1:43,425,183, C duplicated; the last of 6 consecutive C bases (chr1:43,425,178-43,425,183); duplicating any one gives the same sequence. VCF-style (leftmost placement, unchanged base first): chr1-43425177-T-TC. GRCh37 (hg19) VCF-style: chr1-43890848-T-TC.
Other names: c.2621dup, p.His875fs (NM_015284.4); short protein forms H875fs.
Identifiers: ClinVar variation 1793956 (VCV001793956.3), dbSNP rs2545815059, ClinGen allele CA417435886.